The following is an entry in ClinVar:

ClinVar aggregate classification (germline): Likely benign (1 of 4 stars; one submission).

Submission:

CeGaT Center for Human Genetics Tuebingen
Classification: Likely benign. Last evaluated: 2026-04-01. Review status: criteria provided, single submitter. Criteria: CeGaT Center For Human Genetics Tuebingen Variant Classification Criteria Version 2. Collection method: clinical testing. Allele origin: germline. Affected: yes. Observed: 1 variant allele.
Comment: TYRO3: BP4, BP7

NM_006293.4(TYRO3):c.1422C>T (p.Ala474=)

Gene: TYRO3 (TYRO3 protein tyrosine kinase; plus strand). Cytogenetic location: 15q15.1.
Variant type: single nucleotide variant.
Coding change: c.1422C>T on transcript NM_006293.4 (MANE Select); coding-DNA position 1422, C replaced by T.
Protein change: p.Ala474=; no amino-acid change (alanine 474 retained).
Molecular consequence: synonymous variant.
Genome position (GRCh38, 1-based): chr15:41,570,279, C>T. VCF-style: chr15-41570279-C-T. GRCh37 (hg19) VCF-style: chr15-41862477-C-T.
Other names: c.1287C>T, p.Ala429= (NM_001330264.2).
Identifiers: ClinVar variation 4872120 (VCV004872120.2).